The following is an entry in ClinVar:

ClinVar aggregate classification (germline): Uncertain significance (1 of 4 stars; one submission).

Allele frequency attached by ClinVar (database versions not stated): ExAC 0.00001; gnomAD 0.00001; gnomAD exomes 0.00001; TOPMed 0.00003.
gnomAD v4.1: 9 of 1,611,538 alleles (0.00056%); highest among the groups gnomAD compares: African/African-American, 0.004%; no homozygotes.

Submission:

Labcorp Genetics (formerly Invitae), Labcorp
Classification: Uncertain significance. Last evaluated: 2022-08-14. Review status: criteria provided, single submitter. Criteria: Invitae Variant Classification Sherloc (09022015). Collection method: clinical testing. Allele origin: germline.
Comment: This sequence change replaces arginine, which is basic and polar, with histidine, which is basic and polar, at codon 527 of the COL18A1 protein (p.Arg527His). The frequency data for this variant in the population databases is considered unreliable, as metrics indicate poor data quality at this position in the gnomAD database. This variant has not been reported in the literature in individuals affected with COL18A1-related conditions. Experimental studies and prediction algorithms are not available or were not evaluated, and the functional significance of this variant is currently unknown. In summary, the available evidence is currently insufficient to determine the role of this variant in disease. Therefore, it has been classified as a Variant of Uncertain Significance.

NM_001379500.1(COL18A1):c.1580G>A (p.Arg527His)

Gene: COL18A1 (collagen type XVIII alpha 1 chain; plus strand). Cytogenetic location: 21q22.3.
Variant type: single nucleotide variant.
Coding change: c.1580G>A on transcript NM_001379500.1 (MANE Select); coding-DNA position 1580, G replaced by A.
Protein change: p.Arg527His; replaces arginine 527 with histidine.
Molecular consequence: missense variant.
Genome position (GRCh38, 1-based): chr21:45,480,827, G>A. VCF-style: chr21-45480827-G-A. GRCh37 (hg19) VCF-style: chr21-46900741-G-A.
Other names: c.2120G>A, p.Arg707His (NM_030582.4); c.2825G>A, p.Arg942His (NM_130444.3); short protein forms R527H, R942H, R707H.
Identifiers: ClinVar variation 1935502 (VCV001935502.2), dbSNP rs774993784, ClinGen allele CA10066393.